The following is an entry in ClinVar:

ClinVar aggregate classification (germline): Uncertain significance (1 of 4 stars; one submission).

Conditions:
Nephronophthisis. Also called: Juvenile Nephronophthisis. Identifiers: Orphanet 655, MedGen C0687120, MONDO:0019005, HP:0000090.
Jeune thoracic dystrophy. Also called: Jeune syndrome; Infantile thoracic dystrophy; Thoracic pelvic phalangeal dystrophy; Jeune's syndrome; Chondroectodermal dysplasia-like syndrome; Short-rib thoracic dysplasia. Identifiers: Orphanet 474, MedGen C0265275, MONDO:0018770.

Allele frequency attached by ClinVar (database versions not stated): gnomAD exomes 0.00001; ExAC 0.00002.
gnomAD v4.1: 6 of 1,612,916 alleles (0.00037%); highest among the groups gnomAD compares: South Asian, 0.0055%; no homozygotes.

Submission:

Labcorp Genetics (formerly Invitae), Labcorp
Classification: Uncertain significance for Jeune thoracic dystrophy; Nephronophthisis. Last evaluated: 2021-08-19. Review status: criteria provided, single submitter. Criteria: Invitae Variant Classification Sherloc (09022015). Collection method: clinical testing. Allele origin: germline.
Comment: This variant is present in population databases (rs769459956, ExAC 0.01%). This sequence change replaces alanine with threonine at codon 1012 of the TTC21B protein (p.Ala1012Thr). The alanine residue is highly conserved and there is a small physicochemical difference between alanine and threonine. This variant has not been reported in the literature in individuals affected with TTC21B-related conditions. Algorithms developed to predict the effect of missense changes on protein structure and function are either unavailable or do not agree on the potential impact of this missense change (SIFT: "Deleterious"; PolyPhen-2: "Possibly Damaging"; Align-GVGD: "Class C0"). In summary, the available evidence is currently insufficient to determine the role of this variant in disease. Therefore, it has been classified as a Variant of Uncertain Significance.

NM_024753.5(TTC21B):c.3034G>A (p.Ala1012Thr)

Gene: TTC21B (tetratricopeptide repeat domain 21B; minus strand). Cytogenetic location: 2q24.3.
Variant type: single nucleotide variant.
Coding change: c.3034G>A on transcript NM_024753.5 (MANE Select); coding-DNA position 3034, G replaced by A.
Protein change: p.Ala1012Thr; replaces alanine 1012 with threonine.
Molecular consequence: missense variant.
Genome position (GRCh38, 1-based): chr2:165,890,905, C>T on the plus strand (G>A on the coding strand, the complement: TTC21B is on the minus strand). VCF-style: chr2-165890905-C-T. GRCh37 (hg19) VCF-style: chr2-166747415-C-T.
Other names: short protein forms A1012T.
Identifiers: ClinVar variation 1356516 (VCV001356516.8), dbSNP rs769459956, ClinGen allele CA1941609.